The following is an entry in ClinVar:

NM_000593.6(TAP1):c.1115C>T (p.Ser372Leu)

Gene: TAP1 (transporter 1, ATP binding cassette subfamily B member; minus strand). Cytogenetic location: 6p21.32.
Variant type: single nucleotide variant.
Coding change: c.1115C>T on transcript NM_000593.6 (MANE Select); coding-DNA position 1115, C replaced by T.
Protein change: p.Ser372Leu; replaces serine 372 with leucine.
Molecular consequence: missense variant.
Genome position (GRCh38, 1-based): chr6:32,850,453, G>A on the plus strand (C>T on the coding strand, the complement: TAP1 is on the minus strand). VCF-style: chr6-32850453-G-A. GRCh37 (hg19) VCF-style: chr6-32818230-G-A.
Other names: c.512C>T, p.Ser171Leu (NM_001292022.2); short protein forms S171L, S432L, S372L.
Identifiers: ClinVar variation 857517 (VCV000857517.8), dbSNP rs147332077, ClinGen allele CA3746856.

ClinVar aggregate classification (germline): Uncertain significance. Review status: criteria provided, multiple submitters, no conflicts (2 of 4 stars). 2 submissions from 2 submitters: Uncertain significance (2). Last evaluated 2025-07-02.

Conditions:
MHC class I deficiency. Identifiers: Orphanet 34592, MedGen C6024714, MONDO:0011476.
Inborn genetic diseases. Identifiers: MedGen C0950123, MeSH D030342.

Allele frequency attached by ClinVar (database versions not stated): 1000 Genomes Project 30x 0.00031; ESP Exome Variant Server 0.00046; TOPMed 0.00047; gnomAD exomes 0.00010; 1000 Genomes Project 0.00020; gnomAD 0.00029; ExAC 0.00012.
gnomAD v4.1: 94 of 1,614,178 alleles (0.0058%); highest among the groups gnomAD compares: African/African-American, 0.084%; no homozygotes.

Submissions (2):

Ambry Genetics
Classification: Uncertain significance for Inborn genetic diseases. Last evaluated: 2025-07-02. Review status: criteria provided, single submitter. Criteria: Ambry Variant Classification Scheme 2023. Collection method: clinical testing. Allele origin: germline.

Labcorp Genetics (formerly Invitae), Labcorp
Classification: Uncertain significance for MHC class I deficiency 1. Last evaluated: 2023-10-20. Review status: criteria provided, single submitter. Criteria: Invitae Variant Classification Sherloc (09022015). Collection method: clinical testing. Allele origin: germline.
Comment: This sequence change replaces serine, which is neutral and polar, with leucine, which is neutral and non-polar, at codon 432 of the TAP1 protein (p.Ser432Leu). This variant is present in population databases (rs147332077, gnomAD 0.1%). This variant has not been reported in the literature in individuals affected with TAP1-related conditions. ClinVar contains an entry for this variant (Variation ID: 857517). An algorithm developed to predict the effect of missense changes on protein structure and function (PolyPhen-2) suggests that this variant is likely to be disruptive. In summary, the available evidence is currently insufficient to determine the role of this variant in disease. Therefore, it has been classified as a Variant of Uncertain Significance.